The following is an entry in ClinVar:

ClinVar aggregate classification (germline): Uncertain significance (1 of 4 stars; one submission).

Conditions:
Inborn genetic diseases. Identifiers: MedGen C0950123, MeSH D030342.

gnomAD v4.1: 1 of 1,613,768 alleles (0.000062%); highest among the groups gnomAD compares: Non-Finnish European, 0.000085%; no homozygotes.

Submission:

Ambry Genetics
Classification: Uncertain significance for Inborn genetic diseases. Last evaluated: 2024-08-20. Review status: criteria provided, single submitter. Criteria: Ambry Variant Classification Scheme 2023. Collection method: clinical testing. Allele origin: germline.
Comment: The p.K1509E variant (also known as c.4525A>G), located in coding exon 26 of the ATR gene, results from an A to G substitution at nucleotide position 4525. The lysine at codon 1509 is replaced by glutamic acid, an amino acid with similar properties. This amino acid position is conserved. In addition, this alteration is predicted to be tolerated by in silico analysis. Based on the available evidence, the clinical significance of this variant remains unclear.

NM_001184.4(ATR):c.4525A>G (p.Lys1509Glu)

Gene: ATR (ATR serine/threonine kinase; minus strand). Cytogenetic location: 3q23.
Variant type: single nucleotide variant.
Coding change: c.4525A>G on transcript NM_001184.4 (MANE Select); coding-DNA position 4525, A replaced by G.
Protein change: p.Lys1509Glu; replaces lysine 1509 with glutamic acid.
Molecular consequence: missense variant.
Genome position (GRCh38, 1-based): chr3:142,513,617, T>C on the plus strand (A>G on the coding strand, the complement: ATR is on the minus strand). VCF-style: chr3-142513617-T-C. GRCh37 (hg19) VCF-style: chr3-142232459-T-C.
Other names: c.4333A>G, p.Lys1445Glu (NM_001354579.2); short protein forms K1509E, K1445E.
Identifiers: ClinVar variation 3461046 (VCV003461046.1).
Genomic context (GRCh38, chr3:142,513,617, plus strand): 5'-GAAGATAGATGGTCACTTTGAAATCATGCTTCATCATAATGCTACAGCAGGTGAAAATTT[T>C]ACTGGCAAGATCATGTCGAACCTGTAAATGCAAAATGTGTAGACAGTAACACACTTTCAC-3'
Protein context (NP_001175.2, residues 1499-1519): ITKVRHDLAS[Lys1509Glu]IFTCCSIMMK